The following is an entry in ClinVar:

ClinVar aggregate classification (germline): Uncertain significance (1 of 4 stars; one submission).

Submission:

Labcorp Genetics (formerly Invitae), Labcorp
Classification: Uncertain significance. Last evaluated: 2025-02-28. Review status: criteria provided, single submitter. Criteria: Invitae Variant Classification Sherloc (09022015). Collection method: clinical testing. Allele origin: germline.
Comment: This sequence change replaces alanine, which is neutral and non-polar, with threonine, which is neutral and polar, at codon 191 of the PLTP protein (p.Ala191Thr). This variant is present in population databases (rs752014817, gnomAD 0.003%). This variant has not been reported in the literature in individuals affected with PLTP-related conditions. An algorithm developed to predict the effect of missense changes on protein structure and function (PolyPhen-2) suggests that this variant is likely to be tolerated. In summary, the available evidence is currently insufficient to determine the role of this variant in disease. Therefore, it has been classified as a Variant of Uncertain Significance.

NM_006227.4(PLTP):c.571G>A (p.Ala191Thr)

Gene: PLTP (phospholipid transfer protein; minus strand). Cytogenetic location: 20q13.12.
Variant type: single nucleotide variant.
Coding change: c.571G>A on transcript NM_006227.4 (MANE Select); coding-DNA position 571, G replaced by A.
Protein change: p.Ala191Thr; replaces alanine 191 with threonine.
Molecular consequence: missense variant.
Genome position (GRCh38, 1-based): chr20:45,907,734, C>T on the plus strand (G>A on the coding strand, the complement: PLTP is on the minus strand). VCF-style: chr20-45907734-C-T. GRCh37 (hg19) VCF-style: chr20-44536373-C-T.
Other names: c.286G>A, p.Ala96Thr (NM_001242920.2); c.307G>A, p.Ala103Thr (NM_001242921.1); c.415G>A, p.Ala139Thr (NM_182676.3); short protein forms A103T, A96T, A139T, A191T.
Identifiers: ClinVar variation 4764995 (VCV004764995.1).